The following is an entry in ClinVar:

ClinVar aggregate classification (germline): Uncertain significance (1 of 4 stars; one submission).

Conditions:
Hereditary cancer-predisposing syndrome. Also called: Neoplastic Syndromes, Hereditary; Tumor predisposition; Hereditary neoplastic syndrome; Hereditary Cancer Syndrome. Identifiers: Orphanet 140162, MedGen C0027672, MeSH D009386, MONDO:0015356.

Submission:

Ambry Genetics
Classification: Uncertain significance for Hereditary cancer-predisposing syndrome. Last evaluated: 2023-10-08. Review status: criteria provided, single submitter. Criteria: Ambry Variant Classification Scheme 2023. Collection method: clinical testing. Allele origin: germline.
Comment: The p.P2474L variant (also known as c.7421C>T), located in coding exon 15 of the APC gene, results from a C to T substitution at nucleotide position 7421. The proline at codon 2474 is replaced by leucine, an amino acid with similar properties. This amino acid position is conserved. In addition, in silico predictors for this gene do not accurately predict pathogenicity. Since supporting evidence is limited at this time, the clinical significance of this alteration remains unclear.

NM_000038.6(APC):c.7421C>T (p.Pro2474Leu)

Gene: APC (APC regulator of Wnt signaling pathway; plus strand). Cytogenetic location: 5q22.2.
Variant type: single nucleotide variant.
Coding change: c.7421C>T on transcript NM_000038.6 (MANE Select); coding-DNA position 7421, C replaced by T.
Protein change: p.Pro2474Leu; replaces proline 2474 with leucine.
Molecular consequence: missense variant. On other transcripts: non-coding transcript variant (2).
Genome position (GRCh38, 1-based): chr5:112,843,015, C>T. VCF-style: chr5-112843015-C-T. GRCh37 (hg19) VCF-style: chr5-112178712-C-T.
Other names: c.7421C>T, p.Pro2474Leu (NM_001127510.3, NM_001354895.2, NM_001407450.1); c.7367C>T, p.Pro2456Leu (NM_001127511.3); c.7475C>T, p.Pro2492Leu (NM_001354896.2, NM_001407447.1, NM_001407448.1 and 1 more transcripts); c.7451C>T, p.Pro2484Leu (NM_001354897.2); c.7346C>T, p.Pro2449Leu (NM_001354898.2); c.7337C>T, p.Pro2446Leu (NM_001354899.2); c.7298C>T, p.Pro2433Leu (NM_001354900.2); c.7244C>T, p.Pro2415Leu (NM_001354901.2, NM_001407453.1); and 11 more; short protein forms P2090L, P2191L, P2314L, P2345L, P2348L, P2373L, P2383L, P2391L.
Identifiers: ClinVar variation 3231282 (VCV003231282.1), dbSNP rs2149986650, ClinGen allele CA16037483.